The following is an entry in ClinVar:

GRCh38/hg38 3q22.3(chr3:137593514-138443019)x3

Genes: A4GNT (alpha-1,4-N-acetylglucosaminyltransferase; minus strand), ARMC8 (armadillo repeat containing 8; plus strand), CLDN18 (claudin 18; plus strand), DBR1 (debranching RNA lariats 1; minus strand), DZIP1L (DAZ interacting zinc finger protein 1 like; minus strand) and 13 more. Cytogenetic location: 3q22.3.
Variant type: copy number gain.
Change: copy number 3 (three copies instead of two) of chr3:137,593,514-138,443,019 (849.5 kb, GRCh38 coordinates, 1-based), cytogenetic band 3q22.3.
Identifiers: ClinVar variation 57794 (VCV000057794.1).

ClinVar aggregate classification (germline): Uncertain significance (1 of 4 stars; one submission).

Submission:

ISCA site 4
Classification: Uncertain significance. Last evaluated: 2011-08-12. Review status: criteria provided, single submitter. Criteria: Kaminsky et al. (Genet Med. 2011). Collection method: clinical testing. Allele origin: unknown. Affected: yes. Observed: 1 variant allele.
Comment: Copy number variation identified through the course of routine clinical cytogenomic testing in postnatal populations. Clinical assertions have been curated as described in Kaminsky et al. 2011.